The following is an entry in ClinVar:

ClinVar aggregate classification (germline): Conflicting classifications of pathogenicity. Review status: criteria provided, conflicting classifications (1 of 4 stars). 23 submissions from 23 submitters: Likely pathogenic (1); Uncertain significance (20). 2 of the submissions do not count toward it. Last evaluated 2026-09-10.

Conditions:
Colorectal cancer. Also called: Malignant Colorectal Neoplasm; Colorectal cancer, somatic. Identifiers: MedGen C0346629, MONDO:0005575, OMIM 114500.
CHEK2-related cancer predisposition (TPDS4). Also called: TUMOR PREDISPOSITION SYNDROME 4; CANCER PREDISPOSITION SYNDROME, CHEK2-RELATED; CHEK2-related cancer susceptibility. Identifiers: Orphanet 524, MedGen C5882668, MONDO:0700271, OMIM 609265.
Familial cancer of breast. Also called: Hereditary breast cancer; BREAST CANCER, FAMILIAL; hereditary breast carcinoma. Identifiers: Orphanet 227535, MedGen C0346153, MONDO:0016419, OMIM 114480. Disease mechanism: loss of function.
Prostate cancer. Also called: Malignant tumor of prostate. Identifiers: Orphanet 1331, MedGen C0376358, MONDO:0008315, HP:0012125.
Bone osteosarcoma. Also called: Osteosarcoma, somatic. Identifiers: Orphanet 668, MedGen C0585442, MONDO:0002629, OMIM 259500.
CHEK2-related disorder.
Predisposition to cancer.
Hereditary cancer-predisposing syndrome. Also called: Neoplastic Syndromes, Hereditary; Tumor predisposition; Hereditary Cancer Syndrome; Hereditary neoplastic syndrome. Identifiers: Orphanet 140162, MedGen C0027672, MeSH D009386, MONDO:0015356.

Allele frequency attached by ClinVar (database versions not stated): ExAC 0.00008; TOPMed 0.00012; gnomAD 0.00016.
gnomAD v4.1: 176 of 1,613,900 alleles (0.011%); highest among the groups gnomAD compares: Admixed American, 0.033%; no homozygotes.

Submissions 1 to 5 of 23:

PreventionGenetics, part of Exact Sciences
Classification: Uncertain significance for CHEK2-related condition. Last evaluated: 2026-09-10. Review status: criteria provided, single submitter. Criteria: ACMG Guidelines, 2015. Collection method: clinical testing. Allele origin: germline.
Comment: The CHEK2 c.715G>A variant is predicted to result in the amino acid substitution p.Glu239Lys. This variant has been reported in individuals with prostate cancer (Dong et al. 2003. PubMed ID: 12533788; Wu et al. 2006. PubMed ID: 16835864), breast cancer (Roeb et al. 2012. PubMed ID: 22419737) and ductal carcinoma in situ (Supplemental Table 4, Kraus et al. 2017. PubMed ID: 27616075). This variant has been reported to have a negative association with breast, prostate, and ovarian cancers among Europeans (Southey et al. 2016. PubMed ID: 27595995). Functional studies on this variant have indicated its possible role in altered acetylation (Suo et al. 2013. PubMed ID: 23298314), partially reduced kinase activity (Wu et al. 2006. PubMed ID: 16835864), and DNA damage response (Roeb et al. 2012. PubMed ID: 22419737). This variant is reported in 0.032% of alleles in individuals of European (Finnish) descent in gnomAD and is interpreted as uncertain by the vast majority of submitters in ClinVar (Variation ID: 5600). At this time, the clinical significance of this variant is uncertain due to the absence of conclusive functional and genetic evidence.

Labcorp Genetics (formerly Invitae), Labcorp
Classification: Uncertain significance for Familial cancer of breast. Last evaluated: 2026-02-04. Review status: criteria provided, single submitter. Criteria: Invitae Variant Classification Sherloc (09022015). Collection method: clinical testing. Allele origin: germline.
Comment: This sequence change replaces glutamic acid, which is acidic and polar, with lysine, which is basic and polar, at codon 239 of the CHEK2 protein (p.Glu239Lys). This variant is present in population databases (rs121908702, gnomAD 0.03%). This missense change has been observed in individual(s) with prostate cancer, non-Hodgkin lymphoma, Hodgkin lymphoma, colorectal cancer, non-medullary thyroid cancer, and/or breast cancer (PMID: 12533788, 21244692, 26506619, 26787654, 26976419, 27595995, 27616075, 28135145, 30303537, 31614935, 32957588, 33692755, 36468172). ClinVar contains an entry for this variant (Variation ID: 5600). An algorithm developed to predict the effect of missense changes on protein structure and function (PolyPhen-2) suggests that this variant is likely to be tolerated. Experimental studies are conflicting or provide insufficient evidence to determine the effect of this variant on CHEK2 function (PMID: 16835864, 22419737, 30851065, 34903604). In summary, the available evidence is currently insufficient to determine the role of this variant in disease. Therefore, it has been classified as a Variant of Uncertain Significance.

Center for Genomic Medicine, Rigshospitalet, Copenhagen University Hospital
Classification: Uncertain significance. Last evaluated: 2025-12-29. Review status: criteria provided, single submitter. Criteria: ACMG Guidelines, 2015. Collection method: clinical testing. Allele origin: germline.

Women's Health and Genetics/Laboratory Corporation of America, LabCorp
Classification: Uncertain significance. Last evaluated: 2025-12-23. Review status: criteria provided, single submitter. Criteria: LabCorp Variant Classification Summary - May 2015. Collection method: clinical testing. Allele origin: germline.
Comment: Variant summary: CHEK2 c.715G>A (p.Glu239Lys) results in a conservative amino acid change in the encoded protein sequence. Algorithms developed to predict the effect of missense changes on protein structure and function are either unavailable or do not agree on the potential impact of this missense change. The variant allele was found at a frequency of 7.6e-05 in 251364 control chromosomes, predominantly at a frequency of 0.00023 within the Latino subpopulation in the gnomAD database. The available data on variant occurrences in the general population are insufficient to allow any conclusion about variant significance. c.715G>A has been observed in individuals affected with CHEK2-related conditions, without strong evidence for causality. These report(s) do not provide unequivocal conclusions about association of the variant with Hereditary Breast And Ovarian Cancer Syndrome. In a multicenter large case-control study, this variant failed to confer any statistically-significant association with breast, ovarian, and prostate cancers (Southey_2016). Pathogenic variants in CHEK2 gene constitute risk alleles that confer low risk for breast cancer (e.g. CHEK2 1100delC). Therefore, this variant shows some features of a high-prevalence mild/intermediate risk allele, however the current data to support this are weak. Functional studies suggest this variant has an intermediate effect in yeast-based in vivo DNA damage response and was found to partially reduce CHEK2 kinase activity in vitro (Wu_2006, Roeb_2012, Dutil_2019), however data were not robust. The following publications have been ascertained in the context of this evaluation (PMID: 12533788, 26506619, 27616075, 21244692, 29659569, 22419737, 27595995, 25186627, 16835864, 25318351, 26787654, 28135145, 26580448, 31780696). ClinVar contains an entry for this variant (Variation ID: 5600). Based on the evidence outlined above, the variant was classified as uncertain significance.

Institute of Human Genetics, University of Leipzig Medical Center
Classification: Uncertain significance for CHEK2-related cancer predisposition. Last evaluated: 2025-07-29. Review status: criteria provided, single submitter. Criteria: ACMG Guidelines, 2015. Collection method: clinical testing. Allele origin: unknown. Inheritance: Autosomal dominant inheritance. Affected: yes.
Comment: Criteria applied: BS3_SUP

NM_007194.4(CHEK2):c.715G>A (p.Glu239Lys)

Gene: CHEK2 (checkpoint kinase 2; minus strand). Cytogenetic location: 22q12.1.
Variant type: single nucleotide variant.
Coding change: c.715G>A on transcript NM_007194.4 (MANE Select); coding-DNA position 715, G replaced by A.
Protein change: p.Glu239Lys; replaces glutamic acid 239 with lysine.
Molecular consequence: missense variant.
Genome position (GRCh38, 1-based): chr22:28,711,986, C>T on the plus strand (G>A on the coding strand, the complement: CHEK2 is on the minus strand). VCF-style: chr22-28711986-C-T. GRCh37 (hg19) VCF-style: chr22-29107974-C-T.
Other names: chr22:29,107,974C>T; p.E239K:GAG>AAG; c.844G>A, p.Glu282Lys (NM_001005735.3); c.52G>A, p.Glu18Lys (NM_001257387.3); c.514G>A, p.Glu172Lys (NM_001349956.3); c.715G>A, p.Glu239Lys (NM_145862.3); short protein forms E239K, E282K, E172K, E18K.
Identifiers: ClinVar variation 5600 (VCV000005600.84), dbSNP rs121908702, ClinGen allele CA117644.
Genomic context (GRCh38, chr22:28,711,986, plus strand): 5'-CAATAGCAAACTTCCTTTTGCTGATGATCTTTATGGCTACTTTCTTACATGTTTTCCTCT[C>T]GAAAGCCAGCTTTACCTCTCCACAGGCACCACTAGAGGGAAAAACAAAGATAGTGATTGT-3'
Protein context (NP_009125.1, residues 229-249): GACGEVKLAF[Glu239Lys]RKTCKKVAIK